The following is an entry in ClinVar:

ClinVar aggregate classification (germline): Uncertain significance (0 of 4 stars; one submission).

Conditions:
Wolff-Parkinson-White pattern. Also called: WPW SYNDROME; Auriculoventricular accessory pathway syndrome; False bundle branch block syndrome; Anomalous ventricular excitation syndrome. Identifiers: MedGen C0043202, MONDO:0008685, OMIM 194200, HP:0001716.

Submission:

Lupski Lab, Baylor-Hopkins CMG, Baylor College of Medicine
Classification: Uncertain significance for Wolff-Parkinson-White pattern. Last evaluated: 2017-07-14. Review status: no assertion criteria provided. Collection method: research. Allele origin: unknown. Affected: yes. Observed: 1 variant allele. Study: Candidate_variants_in_patients_with_ Wolff-Parkinson-White Syndrome.

NM_001134363.3(RBM20):c.934C>A (p.Leu312Met)

Gene: RBM20 (RNA binding motif protein 20; plus strand). Cytogenetic location: 10q25.2.
Variant type: single nucleotide variant.
Coding change: c.934C>A on transcript NM_001134363.3 (MANE Select); coding-DNA position 934, C replaced by A.
Protein change: p.Leu312Met; replaces leucine 312 with methionine.
Molecular consequence: missense variant.
Genome position (GRCh38, 1-based): chr10:110,781,543, C>A. VCF-style: chr10-110781543-C-A. GRCh37 (hg19) VCF-style: chr10-112541301-C-A.
Other names: short protein forms L312M.
Identifiers: ClinVar variation 487629 (VCV000487629.1), dbSNP rs1164333931, ClinGen allele CA378384703.